The following is an entry in ClinVar:

ClinVar aggregate classification (germline): Uncertain significance (1 of 4 stars; one submission).

Conditions:
Developmental and epileptic encephalopathy 94 (DEE94). Also called: CHD2-Related Neurodevelopmental Disorders; Epileptic encephalopathy, childhood-onset. Identifiers: Orphanet 1942, Orphanet 2382, MedGen C3809278, MONDO:0014150, OMIM 615369.

Submission:

Labcorp Genetics (formerly Invitae), Labcorp
Classification: Uncertain significance for Developmental and epileptic encephalopathy 94. Last evaluated: 2023-04-28. Review status: criteria provided, single submitter. Criteria: Invitae Variant Classification Sherloc (09022015). Collection method: clinical testing. Allele origin: germline.
Comment: In summary, the available evidence is currently insufficient to determine the role of this variant in disease. Therefore, it has been classified as a Variant of Uncertain Significance. Advanced modeling of protein sequence and biophysical properties (such as structural, functional, and spatial information, amino acid conservation, physicochemical variation, residue mobility, and thermodynamic stability) performed at Invitae indicates that this missense variant is not expected to disrupt CHD2 protein function. This variant has not been reported in the literature in individuals affected with CHD2-related conditions. This variant is not present in population databases (gnomAD no frequency). This sequence change replaces proline, which is neutral and non-polar, with arginine, which is basic and polar, at codon 1778 of the CHD2 protein (p.Pro1778Arg).

NM_001271.4(CHD2):c.5333C>G (p.Pro1778Arg)

Gene: CHD2 (chromodomain helicase DNA binding protein 2; plus strand). Cytogenetic location: 15q26.1.
Variant type: single nucleotide variant.
Coding change: c.5333C>G on transcript NM_001271.4 (MANE Select); coding-DNA position 5333, C replaced by G.
Protein change: p.Pro1778Arg; replaces proline 1778 with arginine.
Molecular consequence: missense variant.
Genome position (GRCh38, 1-based): chr15:93,024,551, C>G. VCF-style: chr15-93024551-C-G. GRCh37 (hg19) VCF-style: chr15-93567781-C-G.
Other names: short protein forms P1778R.
Identifiers: ClinVar variation 2860390 (VCV002860390.3), dbSNP rs2505650906, ClinGen allele CA393908569.